The following is an entry in ClinVar:

ClinVar aggregate classification (germline): Likely pathogenic (1 of 4 stars; one submission).

Conditions:
Vici syndrome (VICIS). Identifiers: Orphanet 1493, MedGen C1855772, MONDO:0009452, OMIM 242840.

Allele frequency attached by ClinVar (database versions not stated): gnomAD exomes below 0.00001.
gnomAD v4.1: 1 of 1,614,156 alleles (0.000062%); highest among the groups gnomAD compares: Non-Finnish European, 0.000085%; no homozygotes.

Submission:

Labcorp Genetics (formerly Invitae), Labcorp
Classification: Likely pathogenic for Vici syndrome. Last evaluated: 2022-09-26. Review status: criteria provided, single submitter. Criteria: Invitae Variant Classification Sherloc (09022015). Collection method: clinical testing. Allele origin: germline.
Comment: ClinVar contains an entry for this variant (Variation ID: 1488108). This sequence change affects a donor splice site in intron 16 of the EPG5 gene. It is expected to disrupt RNA splicing. Variants that disrupt the donor or acceptor splice site typically lead to a loss of protein function (PMID: 16199547), and loss-of-function variants in EPG5 are known to be pathogenic (PMID: 23222957, 23674064). This variant is not present in population databases (gnomAD no frequency). This variant has not been reported in the literature in individuals affected with EPG5-related conditions. Algorithms developed to predict the effect of sequence changes on RNA splicing suggest that this variant may disrupt the consensus splice site. In summary, the currently available evidence indicates that the variant is pathogenic, but additional data are needed to prove that conclusively. Therefore, this variant has been classified as Likely Pathogenic.

Literature cited by the submitters: PubMed 16199547; PubMed 23222957; PubMed 23674064.

NM_020964.3(EPG5):c.3098+2T>C

Gene: EPG5 (ectopic P-granules 5 autophagy tethering factor; minus strand). Cytogenetic location: 18q21.1.
Variant type: single nucleotide variant.
Coding change: c.3098+2T>C on transcript NM_020964.3 (MANE Select); the canonical splice donor site of the intron after coding-DNA position 3098, T replaced by C.
Molecular consequence: splice donor variant.
Genome position (GRCh38, 1-based): chr18:45,922,339, A>G on the plus strand (T>C on the coding strand, the complement: EPG5 is on the minus strand). VCF-style: chr18-45922339-A-G. GRCh37 (hg19) VCF-style: chr18-43502305-A-G.
Other names: c.3098+2T>C (NM_001410858.1, NM_001410859.1).
Identifiers: ClinVar variation 1488108 (VCV001488108.9), dbSNP rs1599578081, ClinGen allele CA402343962.